The following is an entry in ClinVar:

ClinVar aggregate classification (germline): Conflicting classifications of pathogenicity. Review status: criteria provided, conflicting classifications (1 of 4 stars). 3 submissions from 3 submitters: Likely pathogenic (1); Uncertain significance (2). Last evaluated 2025-09-29.

Conditions:
Hereditary cancer-predisposing syndrome. Also called: Neoplastic Syndromes, Hereditary; Tumor predisposition; Hereditary Cancer Syndrome; Hereditary neoplastic syndrome. Identifiers: Orphanet 140162, MedGen C0027672, MeSH D009386, MONDO:0015356.
Familial cancer of breast. Also called: BREAST CANCER, FAMILIAL; Hereditary breast cancer; hereditary breast carcinoma. Identifiers: Orphanet 227535, MedGen C0346153, MONDO:0016419, OMIM 114480. Disease mechanism: loss of function.

Submissions (3):

Labcorp Genetics (formerly Invitae), Labcorp
Classification: Likely pathogenic for Familial cancer of breast. Last evaluated: 2025-09-29. Review status: criteria provided, single submitter. Criteria: Invitae Variant Classification Sherloc (09022015). Collection method: clinical testing. Allele origin: germline.
Comment: This sequence change falls in intron 8 of the BARD1 gene. It does not directly change the encoded amino acid sequence of the BARD1 protein. RNA analysis indicates that this variant induces altered splicing and may result in an absent or altered protein product. This variant is not present in population databases (gnomAD no frequency). This variant has not been reported in the literature in individuals affected with BARD1-related conditions. ClinVar contains an entry for this variant (Variation ID: 482773). Variants that disrupt the consensus splice site are a relatively common cause of aberrant splicing (PMID: 17576681, 9536098). Studies have shown that this variant results in skipping of exon 8, and produces a non-functional protein and/or introduces a premature termination codon (internal data). In summary, the currently available evidence indicates that the variant is pathogenic, but additional data are needed to prove that conclusively. Therefore, this variant has been classified as Likely Pathogenic.

GeneDx
Classification: Uncertain significance. Last evaluated: 2022-08-29. Review status: criteria provided, single submitter. Criteria: GeneDx Variant Classification Process June 2021. Collection method: clinical testing. Allele origin: germline. Affected: yes.
Comment: Not observed at significant frequency in large population cohorts (gnomAD); In silico analysis supports a deleterious effect on splicing; Has not been previously published as pathogenic or benign to our knowledge

Ambry Genetics
Classification: Uncertain significance for Hereditary cancer-predisposing syndrome. Last evaluated: 2020-10-28. Review status: criteria provided, single submitter. Criteria: Ambry Variant Classification Scheme 2023. Collection method: clinical testing. Allele origin: germline.
Comment: The c.1810+3G>T intronic variant results from a G to T substitution 3 nucleotides after coding exon 8 in the BARD1 gene. This nucleotide position is not well conserved in available vertebrate species. In silico splice site analysis predicts that this alteration will weaken the native splice donor site. Since supporting evidence is limited at this time, the clinical significance of this alteration remains unclear.

Literature cited by the submitters: PubMed 17576681 (cited by Labcorp Genetics (formerly Invitae), Labcorp); PubMed 9536098 (cited by Labcorp Genetics (formerly Invitae), Labcorp).

NM_000465.4(BARD1):c.1810+3G>T

Gene: BARD1 (BRCA1 associated RING domain 1; minus strand). Cytogenetic location: 2q35.
Variant type: single nucleotide variant.
Coding change: c.1810+3G>T on transcript NM_000465.4 (MANE Select); 3 bases into the intron after coding-DNA position 1810, G replaced by T.
Molecular consequence: intron variant.
Genome position (GRCh38, 1-based): chr2:214,745,719, C>A on the plus strand (G>T on the coding strand, the complement: BARD1 is on the minus strand). VCF-style: chr2-214745719-C-A. GRCh37 (hg19) VCF-style: chr2-215610443-C-A.
Other names: c.1810+3G>T (LRG_297t1); c.400+3G>T (NM_001282548.2); c.1753+3G>T (NM_001282543.2); c.457+3G>T (NM_001282545.2); c.365-15211G>T (NM_001282549.2).
Identifiers: ClinVar variation 482773 (VCV000482773.10), dbSNP rs1310430913, ClinGen allele CA658657221.